The following is an entry in ClinVar:

ClinVar aggregate classification (germline): Pathogenic (1 of 4 stars; one submission).

Conditions:
Familial thoracic aortic aneurysm and aortic dissection (TAAD). Also called: Thoracic aortic aneurysms and dissections. Identifiers: Orphanet 91387, MedGen C4707243, MONDO:0019625.

Submission:

Ambry Genetics
Classification: Pathogenic for Familial thoracic aortic aneurysm and aortic dissection. Last evaluated: 2025-06-24. Review status: criteria provided, single submitter. Criteria: Ambry Variant Classification Scheme 2023. Collection method: clinical testing. Allele origin: germline.
Comment: The p.G540* pathogenic mutation (also known as c.1618G>T), located in coding exon 23 of the COL3A1 gene, results from a G to T substitution at nucleotide position 1618. This changes the amino acid from a glycine to a stop codon within coding exon 23. This variant is considered to be rare based on population cohorts in the Genome Aggregation Database (gnomAD). This alteration is expected to result in loss of function by premature protein truncation or nonsense-mediated mRNA decay. As such, this alteration is interpreted as a disease-causing mutation.

NM_000090.4(COL3A1):c.1618G>T (p.Gly540Ter)

Gene: COL3A1 (collagen type III alpha 1 chain; plus strand). Cytogenetic location: 2q32.2.
Variant type: single nucleotide variant.
Coding change: c.1618G>T on transcript NM_000090.4 (MANE Select); coding-DNA position 1618, G replaced by T.
Protein change: p.Gly540Ter; replaces glycine 540 with a stop codon.
Molecular consequence: nonsense.
Genome position (GRCh38, 1-based): chr2:188,996,134, G>T. VCF-style: chr2-188996134-G-T. GRCh37 (hg19) VCF-style: chr2-189860860-G-T.
Other names: short protein forms G540*.
Identifiers: ClinVar variation 4232235 (VCV004232235.1).